The following is an entry in ClinVar:

ClinVar aggregate classification (germline): Conflicting classifications of pathogenicity. Review status: criteria provided, conflicting classifications (1 of 4 stars). 2 submissions from 2 submitters: Likely pathogenic (1); Uncertain significance (1). Last evaluated 2024-11-04.

Conditions:
Fanconi anemia complementation group D2. Also called: FANCD2-Related Fanconi Anemia; FANCONI PANCYTOPENIA, TYPE 4; FANCONI ANEMIA, COMPLEMENTATION GROUP D. Identifiers: Orphanet 84, MedGen C3160738, MONDO:0009214, OMIM 227646.
Fanconi anemia (FA). Also called: Fanconi's anemia. Identifiers: Orphanet 84, MedGen C0015625, MeSH D005199, MONDO:0019391.

Submissions (2):

Labcorp Genetics (formerly Invitae), Labcorp
Classification: Uncertain significance for Fanconi anemia. Last evaluated: 2024-11-04. Review status: criteria provided, single submitter. Criteria: Invitae Variant Classification Sherloc (09022015). Collection method: clinical testing. Allele origin: germline.
Comment: This sequence change creates a premature translational stop signal (p.Asn1378Serfs*5) in the FANCD2 gene. While this is not anticipated to result in nonsense mediated decay, it is expected to disrupt the last 94 amino acid(s) of the FANCD2 protein. This variant is not present in population databases (gnomAD no frequency). This variant has not been reported in the literature in individuals affected with FANCD2-related conditions. Experimental studies and prediction algorithms are not available or were not evaluated, and the functional significance of this variant is currently unknown. Algorithms developed to predict the effect of sequence changes on RNA splicing suggest that this variant may disrupt the consensus splice site. In summary, the available evidence is currently insufficient to determine the role of this variant in disease. Therefore, it has been classified as a Variant of Uncertain Significance.

Juno Genomics, Hangzhou Juno Genomics, Inc
Classification: Likely pathogenic for Fanconi anemia complementation group D2. Review status: criteria provided, single submitter. Criteria: ACMG Guidelines, 2015. Collection method: clinical testing. Allele origin: germline.
Comment: Null variant in a gene where loss of function (LOF) is a known mechanism of disease.;Absent from controls (or at extremely low frequency if recessive) in Genome Aggregation Database.

NM_001018115.3(FANCD2):c.4128_4131dup (p.Asn1378fs)

Genes: FANCD2 (FA complementation group D2; plus strand), FANCD2OS (FANCD2 opposite strand; minus strand). Cytogenetic location: 3p25.3.
Variant type: Microsatellite.
Coding change: c.4128_4131dup on transcript NM_001018115.3 (MANE Select); coding-DNA positions 4128 to 4131, 4 bases duplicated (TCTC; older notation c.4128_4131dupTCTC).
Protein change: p.Asn1378fs; shifts the reading frame from asparagine 1378.
Molecular consequence: frameshift variant. On other transcripts: intron variant (1).
Genome position (GRCh38, 1-based): chr3:10,096,415-10,096,418, TCTC duplicated; duplicating any 4 consecutive bases within chr3:10,096,414-10,096,418 gives the same sequence; the c. name uses the placement nearest the transcript's 3' end. VCF-style (leftmost placement, unchanged base first): chr3-10096413-A-ACTCT. GRCh37 (hg19) VCF-style: chr3-10138097-A-ACTCT.
Other names: c.4089_4092dup, p.Asn1365fs (NM_001374254.1); c.4128_4131dup, p.Asn1378fs (NM_033084.6, NM_001319984.2); c.*43+7781AG[4] (NM_173472.2); c.4017_4020dup, p.Asn1341fs (NM_001374253.1); short protein forms N1365fs, N1341fs, N1378fs.
Identifiers: ClinVar variation 2148522 (VCV002148522.4), dbSNP rs2470086453, ClinGen allele CA2580614137.